The following is an entry in ClinVar:

NM_004260.4(RECQL4):c.600T>A (p.Asp200Glu)

Gene: RECQL4 (RecQ like helicase 4; minus strand). Cytogenetic location: 8q24.3.
Variant type: single nucleotide variant.
Coding change: c.600T>A on transcript NM_004260.4 (MANE Select); coding-DNA position 600, T replaced by A.
Protein change: p.Asp200Glu; replaces aspartic acid 200 with glutamic acid.
Molecular consequence: missense variant. On other transcripts: 5 prime UTR variant (15), non-coding transcript variant (3), intron variant (3).
Genome position (GRCh38, 1-based): chr8:144,516,519, A>T on the plus strand (T>A on the coding strand, the complement: RECQL4 is on the minus strand). VCF-style: chr8-144516519-A-T. GRCh37 (hg19) VCF-style: chr8-145741903-A-T.
Other names: c.-472T>A (NM_001413040.1, NM_001413042.1, NM_001413037.1 and 5 more transcripts); c.-534T>A (NM_001413041.1, NM_001413027.1, NM_001413030.1 and 2 more transcripts); c.-741T>A (NM_001413043.1); c.355-106T>A (NM_001413029.1); c.-366-106T>A (NM_001413021.1, NM_001413028.1); c.600T>A, p.Asp200Glu (NM_001413036.1, NM_001413039.1, NM_001413017.1 and 4 more transcripts); c.471T>A, p.Asp157Glu (NM_001413025.1); c.-376T>A (NM_001413034.1); short protein forms D200E, D157E.
Identifiers: ClinVar variation 5028092 (VCV005028092.1).
Genomic context (GRCh38, chr8:144,516,519, plus strand): 5'-CAGAAGTTGTGATTCCTCTGAGCCTAGATCAGGCCTGCAGGCTTTGGGGGCCCCCAGAAA[A>T]TCTGGGACCTCACTGTGACATCGCTGTAACCAGCCAGGATCTAGGGAGCCCAGCCGCTGG-3'
Protein context (NP_004251.4, residues 190-210): WLQRCHSEVP[Asp200Glu]FLGAPKACRP

ClinVar aggregate classification (germline): Uncertain significance (1 of 4 stars; one submission).

Conditions:
Inborn genetic diseases. Identifiers: MedGen C0950123, MeSH D030342.

Submission:

Ambry Genetics
Classification: Uncertain significance for Inborn genetic diseases. Last evaluated: 2026-07-28. Review status: criteria provided, single submitter. Criteria: Ambry Variant Classification Scheme 2023. Collection method: clinical testing. Allele origin: germline.
Comment: The p.D200E variant (also known as c.600T>A), located in coding exon 5 of the RECQL4 gene, results from a T to A substitution at nucleotide position 600. The aspartic acid at codon 200 is replaced by glutamic acid, an amino acid with highly similar properties. This amino acid position is conserved. In addition, this alteration is predicted to be tolerated by in silico analysis. Based on the available evidence, the clinical significance of this variant remains unclear.